The following is an entry in ClinVar:

NM_001378615.1(CC2D2A):c.1937G>A (p.Trp646Ter)

Genes: CC2D2A (coiled-coil and C2 domain containing 2A; plus strand), FBXL5 (F-box and leucine rich repeat protein 5; minus strand). Cytogenetic location: 4p15.32.
Variant type: single nucleotide variant.
Coding change: c.1937G>A on transcript NM_001378615.1 (MANE Select); coding-DNA position 1937, G replaced by A.
Protein change: p.Trp646Ter; replaces tryptophan 646 with a stop codon.
Molecular consequence: nonsense.
Genome position (GRCh38, 1-based): chr4:15,538,071, G>A. VCF-style: chr4-15538071-G-A. GRCh37 (hg19) VCF-style: chr4-15539694-G-A.
Other names: c.1937G>A, p.Trp646Ter (NM_001080522.2); c.1790G>A, p.Trp597Ter (NM_001378617.1); short protein forms W597*, W646*.
Identifiers: ClinVar variation 5013602 (VCV005013602.1).
Genomic context (GRCh38, chr4:15,538,071, plus strand): 5'-ATCGGGCAGTGATAGAGCAGGAGGTGAGGGAGAGAGCAGCCCAGAGCAGGAGGAGGCCTT[G>A]GGAGCCCACGCTGGTCCCGGAGCTAAGCCTGGCAGGAAGCGTAACACCCAATGACCAGTG-3'

ClinVar aggregate classification (germline): Pathogenic (1 of 4 stars; one submission).

Conditions:
Joubert syndrome and related disorders. Identifiers: Orphanet 140874, MedGen C5679612, MONDO:0015369.

gnomAD v4.1: 3 of 1,607,136 alleles (0.00019%); highest among the groups gnomAD compares: African/African-American, 0.0027%; no homozygotes.

Submission:

Myriad Genetics, Inc.
Classification: Pathogenic for Joubert syndrome and related disorders. Last evaluated: 2024-10-02. Review status: criteria provided, single submitter. Criteria: Myriad Autosomal Dominant, Autosomal Recessive and X-Linked Classification Criteria (2023). Collection method: clinical testing. Allele origin: unknown.
Comment: NM_001080522.2(CC2D2A):c.1937G>A(W646*) is expected to be pathogenic in the context of CC2D2A-related disorders. This variant is predicted to lead to an abnormal or absent protein product due to the creation of a premature termination codon in CC2D2A, a gene where loss-of-function variants are known to be pathogenic. Please note: this variant was assessed in the context of healthy population screening.